The following is an entry in ClinVar:

ClinVar aggregate classification (germline): Uncertain significance (1 of 4 stars; one submission).

Conditions:
Familial temporal lobe epilepsy 7. Identifiers: Orphanet 101046, MedGen C4225327, MONDO:0014639, OMIM 616436.
Norman-Roberts syndrome (LIS2). Also called: Lissencephaly 2 (Norman-Roberts type). Identifiers: Orphanet 89844, MedGen C0796089, MONDO:0009760, OMIM 257320.

Submission:

Labcorp Genetics (formerly Invitae), Labcorp
Classification: Uncertain significance for Familial temporal lobe epilepsy 7; Norman-Roberts syndrome. Last evaluated: 2024-03-24. Review status: criteria provided, single submitter. Criteria: Invitae Variant Classification Sherloc (09022015). Collection method: clinical testing. Allele origin: germline.
Comment: This sequence change replaces arginine, which is basic and polar, with lysine, which is basic and polar, at codon 3315 of the RELN protein (p.Arg3315Lys). This variant is not present in population databases (gnomAD no frequency). This variant has not been reported in the literature in individuals affected with RELN-related conditions. Advanced modeling of protein sequence and biophysical properties (such as structural, functional, and spatial information, amino acid conservation, physicochemical variation, residue mobility, and thermodynamic stability) has been performed at Invitae for this missense variant, however the output from this modeling did not meet the statistical confidence thresholds required to predict the impact of this variant on RELN protein function. In summary, the available evidence is currently insufficient to determine the role of this variant in disease. Therefore, it has been classified as a Variant of Uncertain Significance.

NM_005045.4(RELN):c.9944G>A (p.Arg3315Lys)

Genes: RELN (reelin; minus strand), SLC26A5-AS1 (SLC26A5 antisense RNA 1; plus strand). Cytogenetic location: 7q22.1.
Variant type: single nucleotide variant.
Coding change: c.9944G>A on transcript NM_005045.4 (MANE Select); coding-DNA position 9944, G replaced by A.
Protein change: p.Arg3315Lys; replaces arginine 3315 with lysine.
Molecular consequence: missense variant.
Genome position (GRCh38, 1-based): chr7:103,486,236, C>T on the plus strand (G>A on the coding strand, the complement: RELN is on the minus strand). VCF-style: chr7-103486236-C-T. GRCh37 (hg19) VCF-style: chr7-103126683-C-T.
Other names: c.9944G>A, p.Arg3315Lys (NM_173054.3); short protein forms R3315K.
Identifiers: ClinVar variation 3755495 (VCV003755495.2).
Genomic context (GRCh38, chr7:103,486,236, plus strand): 5'-AAAATATGGAGGTTTGGGTACCTTGCTCGAGTGAGATCCAGAGGCTTGGTAGCTGCTTGC[C>T]TGATCTGACAGCCATTAAAGTACAGTGAGTCTCCATGGGCGTAGGGGGCCAGCTGCCCAC-3'
Protein context (NP_005036.2, residues 3305-3325): DSLYFNGCQI[Arg3315Lys]QAATKPLDLT